The following is an entry in ClinVar:

NM_000368.5(TSC1):c.2123dup (p.Arg709fs)

Gene: TSC1 (TSC complex subunit 1; minus strand). Cytogenetic location: 9q34.13.
Variant type: Duplication.
Coding change: c.2123dup on transcript NM_000368.5 (MANE Select); coding-DNA position 2123, one base duplicated (A; older notation c.2123dupA).
Protein change: p.Arg709fs; shifts the reading frame from arginine 709.
Molecular consequence: frameshift variant.
Genome position (GRCh38, 1-based): chr9:132,903,736, T duplicated on the plus strand (A on the coding strand, the reverse complement: TSC1 is on the minus strand); the first of 2 consecutive T bases (chr9:132,903,736-132,903,737); duplicating either gives the same sequence. VCF-style (leftmost placement, unchanged base first): chr9-132903735-C-CT. GRCh37 (hg19) VCF-style: chr9-135779122-C-CT.
Other names: c.2120dup, p.Arg708fs (NM_001162426.2); c.1970dup, p.Arg658fs (NM_001162427.2); c.1760dup, p.Arg588fs (NM_001362177.2); c.2122dup, p.Arg709Glufs (NM_001406592.1, NM_001406593.1, NM_001406594.1 and 5 more transcripts); c.2119dup, p.Arg708Glufs (NM_001406597.1, NM_001406598.1, NM_001406599.1 and 3 more transcripts); c.2107dup, p.Arg704Glufs (NM_001406601.1, NM_001406602.1); c.2104dup, p.Arg703Glufs (NM_001406603.1, NM_001406604.1); c.1969dup, p.Arg658Glufs (NM_001406610.1); and 6 more; short protein forms R709fs, R708fs, R658fs, R588fs.
Identifiers: ClinVar variation 2050176 (VCV002050176.4), dbSNP rs2538653415, ClinGen allele CA2580080153.

ClinVar aggregate classification (germline): Pathogenic (1 of 4 stars; one submission).

Conditions:
Tuberous sclerosis 1 (TSC1). Identifiers: Orphanet 805, MedGen C1854465, MONDO:0008612, OMIM 191100.

Submission:

Labcorp Genetics (formerly Invitae), Labcorp
Classification: Pathogenic for Tuberous sclerosis 1. Last evaluated: 2021-12-20. Review status: criteria provided, single submitter. Criteria: Invitae Variant Classification Sherloc (09022015). Collection method: clinical testing. Allele origin: germline.
Comment: This sequence change creates a premature translational stop signal (p.Arg709Glufs*25) in the TSC1 gene. It is expected to result in an absent or disrupted protein product. Loss-of-function variants in TSC1 are known to be pathogenic (PMID: 10227394, 17304050). This variant is not present in population databases (gnomAD no frequency). This variant has not been reported in the literature in individuals affected with TSC1-related conditions. For these reasons, this variant has been classified as Pathogenic.

Literature cited by the submitters: PubMed 10227394; PubMed 17304050.